The following is an entry in ClinVar:

NM_002528.7(NTHL1):c.792-1G>A

Gene: NTHL1 (nth like DNA glycosylase 1; minus strand). Cytogenetic location: 16p13.3.
Variant type: single nucleotide variant.
Coding change: c.792-1G>A on transcript NM_002528.7 (MANE Select); the canonical splice acceptor site of the intron before coding-DNA position 792, G replaced by A.
Molecular consequence: splice acceptor variant.
Genome position (GRCh38, 1-based): chr16:2,040,048, C>T on the plus strand (G>A on the coding strand, the complement: NTHL1 is on the minus strand). VCF-style: chr16-2040048-C-T. GRCh37 (hg19) VCF-style: chr16-2090049-C-T.
Other names: c.462-1G>A (NM_001318194.2); c.621-1G>A (NM_001318193.2).
Identifiers: ClinVar variation 1762232 (VCV001762232.6), dbSNP rs2150937988, ClinGen allele CA394287665.

ClinVar aggregate classification (germline): Conflicting classifications of pathogenicity. Review status: criteria provided, conflicting classifications (1 of 4 stars). 3 submissions from 3 submitters: Likely pathogenic (2); Uncertain significance (1). Last evaluated 2023-06-02.

Conditions:
Familial adenomatous polyposis 3. Also called: NTHL1-related attenuated familial adenomatous polyposis; NTHL1-Related Adenomatous Polyposis and Colorectal Cancer; NTHL1 Tumor Syndrome; NTHL1-associated polyposis. Identifiers: Orphanet 220460, Orphanet 454840, MedGen C4225157, MONDO:0014630, OMIM 616415.
Hereditary cancer-predisposing syndrome. Also called: Hereditary Cancer Syndrome; Hereditary neoplastic syndrome; Neoplastic Syndromes, Hereditary; Tumor predisposition. Identifiers: Orphanet 140162, MedGen C0027672, MeSH D009386, MONDO:0015356.

Submissions (3):

Labcorp Genetics (formerly Invitae), Labcorp
Classification: Uncertain significance. Last evaluated: 2023-06-02. Review status: criteria provided, single submitter. Criteria: Invitae Variant Classification Sherloc (09022015). Collection method: clinical testing. Allele origin: germline.
Comment: RNA analysis provides insufficient evidence to determine the effect of this variant on NTHL1 splicing (Invitae). In summary, the available evidence is currently insufficient to determine the role of this variant in disease. Therefore, it has been classified as a Variant of Uncertain Significance. Variants that disrupt the consensus splice site are a relatively common cause of aberrant splicing (PMID: 17576681, 9536098). Algorithms developed to predict the effect of sequence changes on RNA splicing suggest that this variant may disrupt the consensus splice site. ClinVar contains an entry for this variant (Variation ID: 1762232). This variant has not been reported in the literature in individuals affected with NTHL1-related conditions. This variant is not present in population databases (gnomAD no frequency). This sequence change affects an acceptor splice site in intron 5 of the NTHL1 gene. While this variant is not anticipated to result in nonsense mediated decay, it likely alters RNA splicing and results in a disrupted protein product.

Ambry Genetics
Classification: Likely pathogenic for Hereditary cancer-predisposing syndrome. Last evaluated: 2022-10-27. Review status: criteria provided, single submitter. Criteria: Ambry Variant Classification Scheme 2023. Collection method: clinical testing. Allele origin: germline.
Comment: The c.816-1G>A intronic variant results from a G to A substitution one nucleotide upstream from coding exon 6 of the NTHL1 gene. This alteration occurs at the 3' terminus of the NTHL1 gene, is not expected to trigger nonsense-mediated mRNA decay, and only impacts the last 41 amino acids of the protein. The exact functional effect of this alteration is unknown; however, a significant portion of the protein is affected (Ambry internal data). This nucleotide position is highly conserved in available vertebrate species. In silico splice site analysis predicts that this alteration will weaken the native splice acceptor site and will result in the creation or strengthening of a novel splice acceptor site. Based on the majority of available evidence to date, this variant is likely to be pathogenic.

Baylor Genetics
Classification: Likely pathogenic for Familial adenomatous polyposis 3. Last evaluated: 2021-12-21. Review status: criteria provided, single submitter. Criteria: ACMG Guidelines, 2015. Collection method: clinical testing. Allele origin: unknown.

Literature cited by the submitters: PubMed 17576681 (cited by Labcorp Genetics (formerly Invitae), Labcorp); PubMed 9536098 (cited by Labcorp Genetics (formerly Invitae), Labcorp).